The following is an entry in ClinVar:

NM_052947.4(ALPK2):c.2714G>A (p.Gly905Asp)

Gene: ALPK2 (alpha kinase 2; minus strand). Cytogenetic location: 18q21.31.
Variant type: single nucleotide variant.
Coding change: c.2714G>A on transcript NM_052947.4 (MANE Select); coding-DNA position 2714, G replaced by A.
Protein change: p.Gly905Asp; replaces glycine 905 with aspartic acid.
Molecular consequence: missense variant.
Genome position (GRCh38, 1-based): chr18:58,537,473, C>T on the plus strand (G>A on the coding strand, the complement: ALPK2 is on the minus strand). VCF-style: chr18-58537473-C-T. GRCh37 (hg19) VCF-style: chr18-56204705-C-T.
Other names: short protein forms G905D.
Identifiers: ClinVar variation 1795101 (VCV001795101.2), dbSNP rs761551999, ClinGen allele CA8977022.

ClinVar aggregate classification (germline): Uncertain significance (1 of 4 stars; one submission).

Allele frequency attached by ClinVar (database versions not stated): gnomAD exomes below 0.00001; ExAC 0.00001; gnomAD 0.00001.
gnomAD v4.1: 2 of 1,611,638 alleles (0.00012%); highest among the groups gnomAD compares: Non-Finnish European, 0.00017%; no homozygotes.

Submission:

Ambry Genetics
Classification: Uncertain significance. Last evaluated: 2022-05-24. Review status: criteria provided, single submitter. Criteria: Ambry Variant Classification Scheme 2023. Collection method: clinical testing. Allele origin: germline.
Comment: The p.G905D variant (also known as c.2714G>A), located in coding exon 4 of the ALPK2 gene, results from a G to A substitution at nucleotide position 2714. The glycine at codon 905 is replaced by aspartic acid, an amino acid with similar properties. This amino acid position is conserved. In addition, this alteration is predicted to be tolerated by in silico analysis. Since supporting evidence is limited at this time, the clinical significance of this alteration remains unclear.